The following is an entry in ClinVar:

ClinVar aggregate classification (germline): Likely benign (1 of 4 stars; one submission).

gnomAD v4.1: 8 of 149,814 alleles (0.0053%); highest among the groups gnomAD compares: African/African-American, 0.017%; no homozygotes.

Submission:

CeGaT Center for Human Genetics Tuebingen
Classification: Likely benign. Last evaluated: 2026-04-01. Review status: criteria provided, single submitter. Criteria: CeGaT Center For Human Genetics Tuebingen Variant Classification Criteria Version 2. Collection method: clinical testing. Allele origin: germline. Affected: yes. Observed: 1 variant allele.
Comment: PHACTR1: PP2, BP5, BS2

NM_030948.6(PHACTR1):c.251-39469C>T

Gene: PHACTR1 (phosphatase and actin regulator 1; plus strand). Cytogenetic location: 6p24.1.
Variant type: single nucleotide variant.
Coding change: c.251-39469C>T on transcript NM_030948.6 (MANE Select); 39469 bases into the intron before coding-DNA position 251, C replaced by T.
Molecular consequence: intron variant. On other transcripts: missense variant (1).
Genome position (GRCh38, 1-based): chr6:13,013,896, C>T. VCF-style: chr6-13013896-C-T. GRCh37 (hg19) VCF-style: chr6-13014128-C-T.
Other names: c.10C>T, p.Pro4Ser (NM_001322314.4); c.251-39469C>T (NM_001242648.4, NM_001374581.2, NM_001322308.3 and 3 more transcripts); c.-26-39469C>T (NM_001322313.2, NM_001322312.3, NM_001322311.2 and 1 more transcripts); short protein forms P4S.
Identifiers: ClinVar variation 4873576 (VCV004873576.2).